The following is an entry in ClinVar:

ClinVar aggregate classification (germline): Likely benign. Review status: criteria provided, multiple submitters, no conflicts (2 of 4 stars). 2 submissions from 2 submitters: Likely benign (2). Last evaluated 2026-09-11.

Conditions:
DNMT1-related disorder. Also called: DNMT1-related condition. Identifiers: MedGen CN381527.
Hereditary sensory neuropathy-deafness-dementia syndrome. Also called: NEUROPATHY, HEREDITARY SENSORY, WITH HEARING LOSS AND DEMENTIA; Hereditary Sensory and Autonomic Neuropathy Type 1E (HSAN1E); HSN IE; Hereditary sensory neuropathy type IE. Identifiers: Orphanet 456318, MedGen C3279885, MONDO:0013584, OMIM 614116.

Allele frequency attached by ClinVar (database versions not stated): ExAC 0.00001; gnomAD 0.00001; gnomAD exomes 0.00001 and 0.00003; TOPMed 0.00002.
gnomAD v4.1: 8 of 1,611,748 alleles (0.0005%); highest among the groups gnomAD compares: Admixed American, 0.013%; no homozygotes.

Submissions (2):

PreventionGenetics, part of Exact Sciences
Classification: Likely benign for DNMT1-related condition. Last evaluated: 2026-09-11. Review status: criteria provided, single submitter. Criteria: ACMG Guidelines, 2015. Collection method: clinical testing. Allele origin: germline.
Comment: This variant is classified as likely benign based on ACMG/AMP sequence variant interpretation guidelines (Richards et al. 2015 PMID: 25741868, with internal and published modifications).

Labcorp Genetics (formerly Invitae), Labcorp
Classification: Likely benign for Hereditary sensory neuropathy-deafness-dementia syndrome. Last evaluated: 2025-02-11. Review status: criteria provided, single submitter. Criteria: Invitae Variant Classification Sherloc (09022015). Collection method: clinical testing. Allele origin: germline.

NM_001130823.3(DNMT1):c.4170G>A (p.Leu1390=)

Gene: DNMT1 (DNA methyltransferase 1; minus strand). Cytogenetic location: 19p13.2.
Variant type: single nucleotide variant.
Coding change: c.4170G>A on transcript NM_001130823.3 (MANE Select); coding-DNA position 4170, G replaced by A.
Protein change: p.Leu1390=; no amino-acid change (leucine 1390 retained).
Molecular consequence: synonymous variant.
Genome position (GRCh38, 1-based): chr19:10,137,955, C>T on the plus strand (G>A on the coding strand, the complement: DNMT1 is on the minus strand). VCF-style: chr19-10137955-C-T. GRCh37 (hg19) VCF-style: chr19-10248631-C-T.
Other names: c.4122G>A, p.Leu1374= (NM_001318730.2, NM_001379.4); c.3807G>A, p.Leu1269= (NM_001318731.2); c.4170G>A (NM_001130823.2).
Identifiers: ClinVar variation 725486 (VCV000725486.10), dbSNP rs758009053, ClinGen allele CA9187570.